The following is an entry in ClinVar:

ClinVar aggregate classification (germline): Uncertain significance (1 of 4 stars; one submission).

Conditions:
Baller-Gerold syndrome (BGS). Also called: CRANIOSYNOSTOSIS WITH RADIAL DEFECTS. Identifiers: Orphanet 1225, MedGen C0265308, MONDO:0009039, OMIM 218600.

gnomAD v4.1: 1 of 1,574,736 alleles (0.000064%); highest among the groups gnomAD compares: Non-Finnish European, 0.000086%; no homozygotes.

Submission:

Labcorp Genetics (formerly Invitae), Labcorp
Classification: Uncertain significance for Baller-Gerold syndrome. Last evaluated: 2023-06-06. Review status: criteria provided, single submitter. Criteria: Invitae Variant Classification Sherloc (09022015). Collection method: clinical testing. Allele origin: germline.
Comment: Variants that disrupt the consensus splice site are a relatively common cause of aberrant splicing (PMID: 17576681, 9536098). Algorithms developed to predict the effect of sequence changes on RNA splicing suggest that this variant may disrupt the consensus splice site. Experimental studies and prediction algorithms are not available or were not evaluated, and the functional significance of this variant is currently unknown. This variant has not been reported in the literature in individuals affected with RECQL4-related conditions. This variant is present in population databases (no rsID available, gnomAD 0.001%). This sequence change replaces glutamine, which is neutral and polar, with histidine, which is basic and polar, at codon 821 of the RECQL4 protein (p.Gln821His). This variant also falls at the last nucleotide of exon 14, which is part of the consensus splice site for this exon. In summary, the available evidence is currently insufficient to determine the role of this variant in disease. Therefore, it has been classified as a Variant of Uncertain Significance.

Literature cited by the submitters: PubMed 17576681; PubMed 9536098.

NM_004260.4(RECQL4):c.2463G>C (p.Gln821His)

Gene: RECQL4 (RecQ like helicase 4; minus strand). Cytogenetic location: 8q24.3.
Variant type: single nucleotide variant.
Coding change: c.2463G>C on transcript NM_004260.4 (MANE Select); coding-DNA position 2463, G replaced by C.
Protein change: p.Gln821His; replaces glutamine 821 with histidine.
Molecular consequence: missense variant. On other transcripts: non-coding transcript variant (3), intron variant (3).
Genome position (GRCh38, 1-based): chr8:144,513,218, C>G on the plus strand (G>C on the coding strand, the complement: RECQL4 is on the minus strand). VCF-style: chr8-144513218-C-G. GRCh37 (hg19) VCF-style: chr8-145738601-C-G.
Other names: c.1392G>C, p.Gln464His (NM_001413023.1, NM_001413024.1, NM_001413028.1 and 5 more transcripts); c.2334G>C, p.Gln778His (NM_001413025.1); c.1326G>C, p.Gln442His (NM_001413027.1, NM_001413030.1, NM_001413032.1 and 1 more transcripts); c.2112G>C, p.Gln704His (NM_001413029.1); c.1194G>C, p.Gln398His (NM_001413031.1); c.2170-80G>C (NM_001413017.1); c.2266-80G>C (NM_001413018.1); c.1195-80G>C (NM_001413038.1); and 7 more; short protein forms Q398H, Q464H, Q704H, Q777H, Q778H, Q821H, Q332H, Q811H.
Identifiers: ClinVar variation 2724815 (VCV002724815.3), dbSNP rs1447984125, ClinGen allele CA372677842.